The following is an entry in ClinVar:

NM_004036.5(ADCY3):c.739G>T (p.Ala247Ser)

Gene: ADCY3 (adenylate cyclase 3; minus strand). Cytogenetic location: 2p23.3.
Variant type: single nucleotide variant.
Coding change: c.739G>T on transcript NM_004036.5 (MANE Select); coding-DNA position 739, G replaced by T.
Protein change: p.Ala247Ser; replaces alanine 247 with serine.
Molecular consequence: missense variant.
Genome position (GRCh38, 1-based): chr2:24,872,656, C>A on the plus strand (G>T on the coding strand, the complement: ADCY3 is on the minus strand). VCF-style: chr2-24872656-C-A. GRCh37 (hg19) VCF-style: chr2-25095525-C-A.
Other names: c.739G>T, p.Ala247Ser (NM_001320613.2, NM_001377128.1, NM_001377129.1 and 2 more transcripts); c.16G>T, p.Ala6Ser (NM_001377131.1); c.739G>T (NM_001320613.1); short protein forms A6S, A247S.
Identifiers: ClinVar variation 2303437 (VCV002303437.3), dbSNP rs1675168136, ClinGen allele CA346069938.

ClinVar aggregate classification (germline): Uncertain significance. Review status: criteria provided, single submitter (1 of 4 stars). 2 submissions from 2 submitters: Uncertain significance (1). 1 of the submissions does not count toward it. Last evaluated 2022-07-26.

Conditions:
ADCY3-related disorder. Also called: ADCY3-related condition.
Inborn genetic diseases. Identifiers: MedGen C0950123, MeSH D030342.

Allele frequency attached by ClinVar (database versions not stated): gnomAD exomes below 0.00001; TOPMed below 0.00001; gnomAD 0.00001.
gnomAD v4.1: 8 of 1,614,050 alleles (0.0005%); highest among the groups gnomAD compares: Non-Finnish European, 0.00068%; no homozygotes.

Submissions (2):

Ambry Genetics
Classification: Uncertain significance for Inborn genetic diseases. Last evaluated: 2022-07-26. Review status: criteria provided, single submitter. Criteria: Ambry Variant Classification Scheme 2023. Collection method: clinical testing. Allele origin: germline.

PreventionGenetics, part of Exact Sciences
Classification: Uncertain significance for ADCY3-related condition. Last evaluated: 2024-07-24. Review status: no assertion criteria provided. Collection method: clinical testing. Allele origin: germline. Not counted in ClinVar's aggregate classification.
Comment: The ADCY3 c.739G>T variant is predicted to result in the amino acid substitution p.Ala247Ser. To our knowledge, this variant has not been reported in the literature or in a large population database, indicating this variant is rare. At this time, the clinical significance of this variant is uncertain due to the absence of conclusive functional and genetic evidence.